The following is an entry in ClinVar:

NM_012418.4(FSCN2):c.1049G>T (p.Gly350Val)

Gene: FSCN2 (fascin actin-bundling protein 2, retinal; plus strand). Cytogenetic location: 17q25.3.
Variant type: single nucleotide variant.
Coding change: c.1049G>T on transcript NM_012418.4 (MANE Select); coding-DNA position 1049, G replaced by T.
Protein change: p.Gly350Val; replaces glycine 350 with valine.
Molecular consequence: missense variant.
Genome position (GRCh38, 1-based): chr17:81,536,211, G>T. VCF-style: chr17-81536211-G-T. GRCh37 (hg19) VCF-style: chr17-79503237-G-T.
Other names: c.1049G>T, p.Gly350Val (NM_001077182.3); short protein forms G350V.
Identifiers: ClinVar variation 1428297 (VCV001428297.6), dbSNP rs2143903578, ClinGen allele CA401476708.

ClinVar aggregate classification (germline): Uncertain significance (1 of 4 stars; one submission).

Allele frequency attached by ClinVar (database versions not stated): gnomAD exomes 0.00001.
gnomAD v4.1: 3 of 1,600,928 alleles (0.00019%); highest among the groups gnomAD compares: Non-Finnish European, 0.00026%; no homozygotes.

Submission:

Labcorp Genetics (formerly Invitae), Labcorp
Classification: Uncertain significance. Last evaluated: 2024-10-22. Review status: criteria provided, single submitter. Criteria: Invitae Variant Classification Sherloc (09022015). Collection method: clinical testing. Allele origin: germline.
Comment: This sequence change replaces glycine, which is neutral and non-polar, with valine, which is neutral and non-polar, at codon 350 of the FSCN2 protein (p.Gly350Val). This variant is not present in population databases (gnomAD no frequency). This variant has not been reported in the literature in individuals affected with FSCN2-related conditions. ClinVar contains an entry for this variant (Variation ID: 1428297). An algorithm developed to predict the effect of missense changes on protein structure and function (PolyPhen-2) suggests that this variant is likely to be disruptive. In summary, the available evidence is currently insufficient to determine the role of this variant in disease. Therefore, it has been classified as a Variant of Uncertain Significance.